The following is an entry in ClinVar:

NM_020693.4(DSCAML1):c.271G>T (p.Ala91Ser)

Gene: DSCAML1 (DS cell adhesion molecule like 1; minus strand). Cytogenetic location: 11q23.3.
Variant type: single nucleotide variant.
Coding change: c.271G>T on transcript NM_020693.4 (MANE Select); coding-DNA position 271, G replaced by T.
Protein change: p.Ala91Ser; replaces alanine 91 with serine.
Molecular consequence: missense variant. On other transcripts: 5 prime UTR variant (1).
Genome position (GRCh38, 1-based): chr11:117,780,586, C>A on the plus strand (G>T on the coding strand, the complement: DSCAML1 is on the minus strand). VCF-style: chr11-117780586-C-A. GRCh37 (hg19) VCF-style: chr11-117651301-C-A.
Other names: c.271G>T, p.Ala91Ser (NM_001367904.1); c.-138G>T (NM_001367905.1); short protein forms A91S.
Identifiers: ClinVar variation 2101681 (VCV002101681.4), dbSNP rs773114652, ClinGen allele CA382760702.
Genomic context (GRCh38, chr11:117,780,586, plus strand): 5'-TGCCGGCAGCGTTCTCCGCGGTGCAGAAGTAGTCATTGTCGTGGATAAAGCTATTGAAGG[C>A]GGAGGGGGAGAAGGGGTAGAGCTGCAGCGTCCCGTTGGCGTGGACGTGCCGGATGTGCGG-3'
Protein context (NP_065744.3, residues 81-101): TLQLYPFSPS[Ala91Ser]FNSFIHDNDY

ClinVar aggregate classification (germline): Uncertain significance (1 of 4 stars; one submission).

gnomAD v4.1: 1 of 1,579,730 alleles (0.000063%); highest among the groups gnomAD compares: Non-Finnish European, 0.000086%; no homozygotes.

Submission:

Labcorp Genetics (formerly Invitae), Labcorp
Classification: Uncertain significance. Last evaluated: 2022-02-22. Review status: criteria provided, single submitter. Criteria: Invitae Variant Classification Sherloc (09022015). Collection method: clinical testing. Allele origin: germline.
Comment: In summary, the available evidence is currently insufficient to determine the role of this variant in disease. Therefore, it has been classified as a Variant of Uncertain Significance. Algorithms developed to predict the effect of missense changes on protein structure and function are either unavailable or do not agree on the potential impact of this missense change (SIFT: "Deleterious"; PolyPhen-2: "Benign"; Align-GVGD: "Class C0"). This variant has not been reported in the literature in individuals affected with DSCAML1-related conditions. This variant is not present in population databases (gnomAD no frequency). This sequence change replaces alanine, which is neutral and non-polar, with serine, which is neutral and polar, at codon 151 of the DSCAML1 protein (p.Ala151Ser).